The following is an entry in ClinVar:

NM_024408.4(NOTCH2):c.1283A>G (p.Glu428Gly)

Gene: NOTCH2 (notch receptor 2; minus strand). Cytogenetic location: 1p12.
Variant type: single nucleotide variant.
Coding change: c.1283A>G on transcript NM_024408.4 (MANE Select); coding-DNA position 1283, A replaced by G.
Protein change: p.Glu428Gly; replaces glutamic acid 428 with glycine.
Molecular consequence: missense variant.
Genome position (GRCh38, 1-based): chr1:119,967,603, T>C on the plus strand (A>G on the coding strand, the complement: NOTCH2 is on the minus strand). VCF-style: chr1-119967603-T-C. GRCh37 (hg19) VCF-style: chr1-120510226-T-C.
Other names: p.Glu428Gly; c.1283A>G, p.Glu428Gly (NM_001200001.2); short protein forms E428G.
Identifiers: ClinVar variation 3379875 (VCV003379875.1).

ClinVar aggregate classification (germline): Uncertain significance (1 of 4 stars; one submission).

Submission:

Mayo Clinic Laboratories, Mayo Clinic
Classification: Uncertain significance. Last evaluated: 2023-12-15. Review status: criteria provided, single submitter. Criteria: ACMG Guidelines, 2015. Collection method: clinical testing. Allele origin: germline. Observed: 1 variant allele.
Comment: PM2_moderate